The following is an entry in ClinVar:

ClinVar aggregate classification (germline): Uncertain significance. Review status: criteria provided, multiple submitters, no conflicts (2 of 4 stars). 3 submissions from 3 submitters: Uncertain significance (3). Last evaluated 2025-10-29.

Conditions:
Developmental and epileptic encephalopathy, 11 (DEE11). Also called: Early infantile epileptic encephalopathy 11. Identifiers: Orphanet 1934, MedGen C3150987, MONDO:0013388, OMIM 613721.
Seizures, benign familial infantile, 3 (BFIS3). Also called: CONVULSIONS, BENIGN FAMILIAL INFANTILE, 3; Familial neonatal seizures. Identifiers: Orphanet 140927, Orphanet 306, MedGen C1843140, MONDO:0011904, OMIM 607745.

Allele frequency attached by ClinVar (database versions not stated): ExAC 0.00001; gnomAD exomes 0.00001; TOPMed 0.00002; gnomAD 0.00003 and 0.00004.
gnomAD v4.1: 5 of 1,613,648 alleles (0.00031%); highest among the groups gnomAD compares: African/African-American, 0.0053%; no homozygotes.

Submissions (3):

Labcorp Genetics (formerly Invitae), Labcorp
Classification: Uncertain significance for Seizures, benign familial infantile, 3; Developmental and epileptic encephalopathy, 11. Last evaluated: 2025-10-29. Review status: criteria provided, single submitter. Criteria: Invitae Variant Classification Sherloc (09022015). Collection method: clinical testing. Allele origin: germline.
Comment: This sequence change replaces valine, which is neutral and non-polar, with aspartic acid, which is acidic and polar, at codon 1891 of the SCN2A protein (p.Val1891Asp). The frequency data for this variant in the population databases is considered unreliable, as metrics indicate poor data quality at this position in the gnomAD database. This variant has not been reported in the literature in individuals affected with SCN2A-related conditions. ClinVar contains an entry for this variant (Variation ID: 992226). Invitae Evidence Modeling of protein sequence and biophysical properties (such as structural, functional, and spatial information, amino acid conservation, physicochemical variation, residue mobility, and thermodynamic stability) indicates that this missense variant is expected to disrupt SCN2A protein function with a positive predictive value of 95%. In summary, the available evidence is currently insufficient to determine the role of this variant in disease. Therefore, it has been classified as a Variant of Uncertain Significance.

Women's Health and Genetics/Laboratory Corporation of America, LabCorp
Classification: Uncertain significance. Last evaluated: 2020-12-09. Review status: criteria provided, single submitter. Criteria: LabCorp Variant Classification Summary - May 2015. Collection method: clinical testing. Allele origin: germline.
Comment: Variant summary: SCN2A c.5672T>A (p.Val1891Asp) results in a non-conservative amino acid change in the encoded protein sequence. Four of five in-silico tools predict a damaging effect of the variant on protein function. The variant allele was found at a frequency of 8e-06 in 250782 control chromosomes (gnomAD). The available data on variant occurrences in the general population are insufficient to allow any conclusion about variant significance. To our knowledge, no occurrence of c.5672T>A in individuals affected with Early Infantile Epileptic Encephalopathy 11 and no experimental evidence demonstrating its impact on protein function have been reported. No clinical diagnostic laboratories have submitted clinical-significance assessments for this variant to ClinVar after 2014. Based on the evidence outlined above, the variant was classified as uncertain significance.

GeneDx
Classification: Uncertain significance. Last evaluated: 2020-02-28. Review status: criteria provided, single submitter. Criteria: GeneDx Variant Classification Process June 2021. Collection method: clinical testing. Allele origin: germline. Affected: yes.
Comment: Missense variants in this gene are often considered pathogenic (Stenson et al., 2014); In silico analysis supports that this missense variant has a deleterious effect on protein structure/function; Has not been previously published as pathogenic or benign to our knowledge

NM_001040142.2(SCN2A):c.5672T>A (p.Val1891Asp)

Gene: SCN2A (sodium voltage-gated channel alpha subunit 2; plus strand). Cytogenetic location: 2q24.3.
Variant type: single nucleotide variant.
Coding change: c.5672T>A on transcript NM_001040142.2 (MANE Select); coding-DNA position 5672, T replaced by A.
Protein change: p.Val1891Asp; replaces valine 1891 with aspartic acid.
Molecular consequence: missense variant.
Genome position (GRCh38, 1-based): chr2:165,389,478, T>A. VCF-style: chr2-165389478-T-A. GRCh37 (hg19) VCF-style: chr2-166245988-T-A.
Other names: c.5672T>A, p.Val1891Asp (NM_001040143.2, NM_001371246.1, NM_001371247.1 and 1 more transcripts); short protein forms V1891D.
Identifiers: ClinVar variation 992226 (VCV000992226.11), dbSNP rs758908934, ClinGen allele CA1940411.